The following is an entry in ClinVar:

ClinVar aggregate classification (germline): Conflicting classifications of pathogenicity. Review status: criteria provided, conflicting classifications (1 of 4 stars). 2 submissions from 2 submitters: Uncertain significance (1); Likely benign (1). Last evaluated 2025-03-28.

Conditions:
Familial adenomatous polyposis 2. Also called: MYH-associated polyposis; FAP type 2; MUTYH-associated polyposis; MUTYH-related attenuated familial adenomatous polyposis; Adenomas, multiple colorectal; COLORECTAL ADENOMATOUS POLYPOSIS, AUTOSOMAL RECESSIVE. Identifiers: Orphanet 220460, Orphanet 247798, MedGen C3272841, MONDO:0012041, OMIM 608456.
Hereditary cancer-predisposing syndrome. Also called: Neoplastic Syndromes, Hereditary; Tumor predisposition; Hereditary Cancer Syndrome; Hereditary neoplastic syndrome. Identifiers: Orphanet 140162, MedGen C0027672, MeSH D009386, MONDO:0015356.

Submissions (2):

Labcorp Genetics (formerly Invitae), Labcorp
Classification: Likely benign for Familial adenomatous polyposis 2. Last evaluated: 2025-03-28. Review status: criteria provided, single submitter. Criteria: Invitae Variant Classification Sherloc (09022015). Collection method: clinical testing. Allele origin: germline.

Color Diagnostics, LLC DBA Color Health
Classification: Uncertain significance for Hereditary cancer-predisposing syndrome. Last evaluated: 2021-06-02. Review status: criteria provided, single submitter. Criteria: ACMG Guidelines, 2015. Collection method: clinical testing. Allele origin: germline.
Comment: This variant causes a deletion of one nucleotide at position -11 in intron 12 of the MUTYH gene. To our knowledge, functional studies have not been reported for this variant. This variant has not been reported in individuals affected with hereditary cancer in the literature. This variant has not been identified in the general population by the Genome Aggregation Database (gnomAD). The available evidence is insufficient to determine the role of this variant in disease conclusively. Therefore, this variant is classified as a Variant of Uncertain Significance.

NM_001048174.2(MUTYH):c.1103-11del

Gene: MUTYH (mutY DNA glycosylase; minus strand). Cytogenetic location: 1p34.1.
Variant type: Deletion.
Coding change: c.1103-11del on transcript NM_001048174.2 (MANE Select); 11 bases into the intron before coding-DNA position 1103, one base deleted (C; older notation c.1103-11delC).
Molecular consequence: intron variant.
Genome position (GRCh38, 1-based): chr1:45,331,567, G deleted on the plus strand (C on the coding strand, the reverse complement: MUTYH is on the minus strand); the first of 3 consecutive G bases (chr1:45,331,567-45,331,569); deleting any one gives the same sequence. VCF-style (leftmost placement, unchanged base first): chr1-45331566-AG-A. GRCh37 (hg19) VCF-style: chr1-45797238-AG-A.
Other names: c.758-11del (NM_001350651.2, NM_001350650.2); c.827-11del (NM_001293192.2, NM_001293196.2); c.1103-11del (NM_001048171.2, NM_001048173.2, NM_001293195.2); c.1148-11del (NM_001293190.2); c.1178-11del (NM_012222.3); c.1187-11del (NM_001128425.2); c.1106-11del (NM_001048172.2); c.1136-11del (NM_001293191.2).
Identifiers: ClinVar variation 1331983 (VCV001331983.3), dbSNP rs1644868869, ClinGen allele CA2473712291.